The following is an entry in ClinVar:

NM_001077365.2(POMT1):c.314G>A (p.Arg105His)

Gene: POMT1 (protein O-mannosyltransferase 1; plus strand). Cytogenetic location: 9q34.13.
Variant type: single nucleotide variant.
Coding change: c.314G>A on transcript NM_001077365.2 (MANE Select); coding-DNA position 314, G replaced by A.
Protein change: p.Arg105His; replaces arginine 105 with histidine.
Molecular consequence: missense variant. On other transcripts: 5 prime UTR variant (5), non-coding transcript variant (9), intron variant (2).
Genome position (GRCh38, 1-based): chr9:131,507,401, G>A. VCF-style: chr9-131507401-G-A. GRCh37 (hg19) VCF-style: chr9-134382788-G-A.
Other names: c.152G>A, p.Arg51His (NM_001077366.2, NM_001353194.2, NM_001353197.2 and 3 more transcripts); c.314G>A, p.Arg105His (NM_001136113.2, NM_001353193.2, NM_001374690.1 and 1 more transcripts); c.-38G>A (NM_001136114.2, NM_001353195.2, NM_001353199.2 and 2 more transcripts); c.224G>A, p.Arg75His (NM_001353196.2); c.-29-1510G>A (NM_001374695.1); c.-30+948G>A (NM_001353200.2); short protein forms R105H, R51H, R75H.
Identifiers: ClinVar variation 1329035 (VCV001329035.9), dbSNP rs1554772469, ClinGen allele CA5293229.
Genomic context (GRCh38, chr9:131,507,401, plus strand): 5'-AGCTCTGCAGTGTGGTTGCTTTTCCAGAATACAGTAGCAACGTGCCTGTGTGGTCCCTGC[G>A]CCTGCTGCCAGCACTCGCGGGGGCCTTGTCGGTCCCCATGGCCTACCAGATAGTGTTGGA-3'
Protein context (NP_001070833.1, residues 95-115): YSSNVPVWSL[Arg105His]LLPALAGALS

ClinVar aggregate classification (germline): Likely pathogenic. Review status: criteria provided, multiple submitters, no conflicts (2 of 4 stars). 3 submissions from 3 submitters: Likely pathogenic (3). Last evaluated 2024-03-13.

Conditions:
Autosomal recessive limb-girdle muscular dystrophy. Identifiers: Orphanet 102015, MedGen C2931907, MONDO:0015152.
Muscular dystrophy-dystroglycanopathy (congenital with impaired intellectual development), type B, 1. Also called: MUSCULAR DYSTROPHY, CONGENITAL, POMT1-RELATED; Muscular dystrophy-dystroglycanopathy (congenital with intellectual disability), type B1. Identifiers: MedGen C5436962, MONDO:0013159, OMIM 613155.
Muscular dystrophy-dystroglycanopathy (congenital with brain and eye anomalies), type A1 (MDDGA1). Also called: Muscular dystrophy-dystroglycanopathy (congenital with brain and eye anomalies), type A, 1; COD-MD SYNDROME; WALKER-WARBURG SYNDROME OR MUSCLE-EYE-BRAIN DISEASE, POMT1-RELATED; Hydrocephalus, agyria and retinal dysplasia; Hard +/- E syndrome; Warburg syndrome. Identifiers: Orphanet 588, Orphanet 899, MedGen C4284790, MONDO:0009364, OMIM 236670.
Autosomal recessive limb-girdle muscular dystrophy type 2K. Also called: MUSCULAR DYSTROPHY, LIMB-GIRDLE, TYPE 2K; MUSCULAR DYSTROPHY-DYSTROGLYCANOPATHY (LIMB-GIRDLE), TYPE C, 1. Identifiers: Orphanet 86812, MedGen C1836373, MONDO:0012248, OMIM 609308.
Walker-Warburg congenital muscular dystrophy. Also called: Muscular dystrophy-dystroglycanopathy, type A; Walker-Warburg syndrome. Identifiers: Orphanet 899, MedGen C0265221, MONDO:0000171.

Allele frequency attached by ClinVar (database versions not stated): gnomAD exomes below 0.00001 and 0.00001; TOPMed below 0.00001; ExAC 0.00001.
gnomAD v4.1: 12 of 1,614,188 alleles (0.00074%); highest among the groups gnomAD compares: Middle Eastern, 0.016%; no homozygotes.

Submissions (3):

Fulgent Genetics
Classification: Likely pathogenic for Muscular dystrophy-dystroglycanopathy (congenital with brain and eye anomalies), type A1; Autosomal recessive limb-girdle muscular dystrophy type 2K; Muscular dystrophy-dystroglycanopathy (congenital with impaired intellectual development), type B, 1. Last evaluated: 2024-03-13. Review status: criteria provided, single submitter. Criteria: ACMG Guidelines, 2015. Collection method: clinical testing. Allele origin: germline.

Women's Health and Genetics/Laboratory Corporation of America, LabCorp
Classification: Likely pathogenic for Autosomal recessive limb-girdle muscular dystrophy. Last evaluated: 2024-03-11. Review status: criteria provided, single submitter. Criteria: LabCorp Variant Classification Summary - May 2015. Collection method: clinical testing. Allele origin: germline.
Comment: Variant summary: POMT1 c.314G>A (p.Arg105His) results in a non-conservative amino acid change located in the Glycosyl transferase family 39/83 domain (IPR003342) of the encoded protein sequence. Five of five in-silico tools predict a damaging effect of the variant on protein function. The variant allele was found at a frequency of 4e-06 in 251458 control chromosomes. c.314G>A has been reported in the literature as a homozygous genotype in at least two individuals (likely siblings) affected with Walker-Warburg syndrome (example, van Reeuwijk_2006). This report has subsequently been cited by others (example, Geis_2019). It is also recognized that the phenotypic spectrum for POMT1 ranges from the severe Walker Warburg syndrome (WWS) to milder forms of limb girdle muscular dystrophy (LGMD). These data indicate that the variant is likely to be associated with disease. To our knowledge, no experimental evidence demonstrating an impact on protein function has been reported. The following publications has been ascertained in the context of this evaluation (PMID: 31311558, 16575835). ClinVar contains an entry for this variant (Variation ID: 1329035). Based on the evidence outlined above, the variant was classified as likely pathogenic.

Labcorp Genetics (formerly Invitae), Labcorp
Classification: Likely pathogenic for Muscular dystrophy-dystroglycanopathy (congenital with impaired intellectual development), type B, 1; Walker-Warburg congenital muscular dystrophy; Autosomal recessive limb-girdle muscular dystrophy type 2K. Last evaluated: 2023-06-05. Review status: criteria provided, single submitter. Criteria: Invitae Variant Classification Sherloc (09022015). Collection method: clinical testing. Allele origin: germline.
Comment: This missense change has been observed in individual(s) with Walker-Warburg syndrome (PMID: 16575835). This sequence change replaces arginine, which is basic and polar, with histidine, which is basic and polar, at codon 105 of the POMT1 protein (p.Arg105His). This variant is present in population databases (no rsID available, gnomAD 0.0009%). ClinVar contains an entry for this variant (Variation ID: 1329035). Advanced modeling of protein sequence and biophysical properties (such as structural, functional, and spatial information, amino acid conservation, physicochemical variation, residue mobility, and thermodynamic stability) performed at Invitae indicates that this missense variant is expected to disrupt POMT1 protein function. This variant disrupts the p.Arg105 amino acid residue in POMT1. Other variant(s) that disrupt this residue have been determined to be pathogenic (PMID: 16575835, 27193224). This suggests that this residue is clinically significant, and that variants that disrupt this residue are likely to be disease-causing. In summary, the currently available evidence indicates that the variant is pathogenic, but additional data are needed to prove that conclusively. Therefore, this variant has been classified as Likely Pathogenic.

Literature cited by the submitters: PubMed 31311558 (cited by Women's Health and Genetics/Laboratory Corporation of America, LabCorp); PubMed 16575835 (cited by Women's Health and Genetics/Laboratory Corporation of America, LabCorp and Labcorp Genetics (formerly Invitae), Labcorp); PubMed 27193224 (cited by Labcorp Genetics (formerly Invitae), Labcorp).